The following is an entry in ClinVar:

NM_017637.6(BNC2):c.2760A>G (p.Ile920Met)

Gene: BNC2 (basonuclin zinc finger protein 2; minus strand). Cytogenetic location: 9p22.3.
Variant type: single nucleotide variant.
Coding change: c.2760A>G on transcript NM_017637.6 (MANE Select); coding-DNA position 2760, A replaced by G.
Protein change: p.Ile920Met; replaces isoleucine 920 with methionine.
Molecular consequence: missense variant. On other transcripts: 3 prime UTR variant (1).
Genome position (GRCh38, 1-based): chr9:16,419,529, T>C on the plus strand (A>G on the coding strand, the complement: BNC2 is on the minus strand). VCF-style: chr9-16419529-T-C. GRCh37 (hg19) VCF-style: chr9-16419527-T-C.
Other names: c.*104A>G (NM_001317939.2); c.2475A>G, p.Ile825Met (NM_001317940.2); short protein forms I825M, I920M.
Identifiers: ClinVar variation 2369614 (VCV002369614.3), dbSNP rs138887153, ClinGen allele CA4995701.

ClinVar aggregate classification (germline): Uncertain significance. Review status: criteria provided, single submitter (1 of 4 stars). 2 submissions from 2 submitters: Uncertain significance (1). 1 of the submissions does not count toward it. Last evaluated 2021-09-17.

Conditions:
Inborn genetic diseases. Identifiers: MedGen C0950123, MeSH D030342.
BNC2-related disorder. Also called: BNC2-related condition.

Allele frequency attached by ClinVar (database versions not stated): gnomAD 0.00001; gnomAD exomes 0.00002; ExAC 0.00003; TOPMed 0.00003; ESP Exome Variant Server 0.00015.
gnomAD v4.1: 36 of 1,613,930 alleles (0.0022%); highest among the groups gnomAD compares: Non-Finnish European, 0.0026%; no homozygotes.

Submissions (2):

Ambry Genetics
Classification: Uncertain significance for Inborn genetic diseases. Last evaluated: 2021-09-17. Review status: criteria provided, single submitter. Criteria: Ambry Variant Classification Scheme 2023. Collection method: clinical testing. Allele origin: germline.

PreventionGenetics, part of Exact Sciences
Classification: Uncertain significance for BNC2-related condition. Last evaluated: 2024-05-16. Review status: no assertion criteria provided. Collection method: clinical testing. Allele origin: germline. Not counted in ClinVar's aggregate classification.
Comment: The BNC2 c.2760A>G variant is predicted to result in the amino acid substitution p.Ile920Met. To our knowledge, this variant has not been reported in the literature. This variant is reported in 0.0099% of alleles in individuals of Ashkenazi Jewish descent in gnomAD. At this time, the clinical significance of this variant is uncertain due to the absence of conclusive functional and genetic evidence.